The following is an entry in ClinVar:

NM_000256.3(MYBPC3):c.1859G>A (p.Gly620Asp)

Gene: MYBPC3 (myosin binding protein C3; minus strand). Cytogenetic location: 11p11.2.
Variant type: single nucleotide variant.
Coding change: c.1859G>A on transcript NM_000256.3 (MANE Select); coding-DNA position 1859, G replaced by A.
Protein change: p.Gly620Asp; replaces glycine 620 with aspartic acid.
Molecular consequence: missense variant.
Genome position (GRCh38, 1-based): chr11:47,341,176, C>T on the plus strand (G>A on the coding strand, the complement: MYBPC3 is on the minus strand). VCF-style: chr11-47341176-C-T. GRCh37 (hg19) VCF-style: chr11-47362727-C-T.
Other names: short protein forms G620D.
Identifiers: ClinVar variation 3073107 (VCV003073107.1), dbSNP rs730880556, ClinGen allele CA380323808.

ClinVar aggregate classification (germline): Uncertain significance (1 of 4 stars; one submission).

Conditions:
Hypertrophic cardiomyopathy. Also called: HYPERTROPHIC MYOCARDIOPATHY. Identifiers: Orphanet 217569, MedGen C0007194, MeSH D002312, MONDO:0005045, HP:0001639.

Submission:

All of Us Research Program, National Institutes of Health
Classification: Uncertain significance for Hypertrophic cardiomyopathy. Last evaluated: 2023-08-23. Review status: criteria provided, single submitter. Criteria: ACMG Guidelines, 2015. Collection method: clinical testing. Allele origin: germline. Inheritance: Autosomal dominant inheritance. Observed: 1 variant allele, 1 heterozygote.
Comment: This missense variant replaces glycine with aspartic acid at codon 620 of the MYBPC3 protein. Computational prediction is inconclusive regarding the impact of this variant on protein structure and function (internally defined REVEL score threshold 0.5 < inconclusive < 0.7, PMID: 27666373). To our knowledge, functional studies have not been reported for this variant. This variant has not been reported in individuals affected with MYBPC3-related disorders in the literature. This variant has not been identified in the general population by the Genome Aggregation Database (gnomAD). The available evidence is insufficient to determine the role of this variant in disease conclusively. Therefore, this variant is classified as a Variant of Uncertain Significance.

This study involves interpretation of variants in research participants for the purpose of population health screening. Participant phenotype was not available at the time of variant classification. Additional details can be found in publication PMID: 35346344, PMCID: PMC8962531